The following is an entry in ClinVar:

NM_000466.3(PEX1):c.53C>T (p.Thr18Ile)

Genes: PEX1 (peroxisomal biogenesis factor 1; minus strand), LOC129998796 (ATAC-STARR-seq lymphoblastoid silent region 18372; plus strand). Cytogenetic location: 7q21.2.
Variant type: single nucleotide variant.
Coding change: c.53C>T on transcript NM_000466.3 (MANE Select); coding-DNA position 53, C replaced by T.
Protein change: p.Thr18Ile; replaces threonine 18 with isoleucine.
Molecular consequence: missense variant. On other transcripts: 5 prime UTR variant (1).
Genome position (GRCh38, 1-based): chr7:92,528,383, G>A on the plus strand (C>T on the coding strand, the complement: PEX1 is on the minus strand). VCF-style: chr7-92528383-G-A. GRCh37 (hg19) VCF-style: chr7-92157697-G-A.
Other names: c.53C>T, p.Thr18Ile (NM_001282677.2); c.-607C>T (NM_001282678.2); short protein forms T18I.
Identifiers: ClinVar variation 2192098 (VCV002192098.1), dbSNP rs2484725727, ClinGen allele CA368207453.

ClinVar aggregate classification (germline): Uncertain significance (1 of 4 stars; one submission).

Conditions:
Zellweger spectrum disorders (ZS). Also called: Zellweger Spectrum Disorder; Zellweger Spectrum; Zellweger syndrome; Zellweger Spectrum Disorder (ZSD). Identifiers: Orphanet 912, MedGen C0043459, MONDO:0019609.

gnomAD v4.1: 1 of 1,593,092 alleles (0.000063%); no homozygotes.

Submission:

Labcorp Genetics (formerly Invitae), Labcorp
Classification: Uncertain significance for Zellweger spectrum disorders. Last evaluated: 2022-08-16. Review status: criteria provided, single submitter. Criteria: Invitae Variant Classification Sherloc (09022015). Collection method: clinical testing. Allele origin: germline.
Comment: This sequence change replaces threonine, which is neutral and polar, with isoleucine, which is neutral and non-polar, at codon 18 of the PEX1 protein (p.Thr18Ile). This variant is not present in population databases (gnomAD no frequency). This variant has not been reported in the literature in individuals affected with PEX1-related conditions. Algorithms developed to predict the effect of missense changes on protein structure and function are either unavailable or do not agree on the potential impact of this missense change (SIFT: "Tolerated"; PolyPhen-2: "Probably Damaging"; Align-GVGD: "Class C0"). In summary, the available evidence is currently insufficient to determine the role of this variant in disease. Therefore, it has been classified as a Variant of Uncertain Significance.